The following is an entry in ClinVar:

ClinVar aggregate classification (germline): Conflicting classifications of pathogenicity. Review status: criteria provided, conflicting classifications (1 of 4 stars). 3 submissions from 3 submitters: Uncertain significance (2); Likely benign (1). Last evaluated 2026-07-30.

Conditions:
Inborn genetic diseases. Identifiers: MedGen C0950123, MeSH D030342.
Pyruvate carboxylase deficiency. Also called: LEIGH NECROTIZING ENCEPHALOPATHY DUE TO PYRUVATE CARBOXYLASE DEFICIENCY; LEIGH SYNDROME DUE TO PYRUVATE CARBOXYLASE DEFICIENCY; PC DEFICIENCY; ATAXIA WITH LACTIC ACIDOSIS II; Pyruvate Carboxylase Deficiency Disease. Identifiers: Orphanet 3008, MedGen C0034341, MONDO:0009949, OMIM 266150.

Allele frequency attached by ClinVar (database versions not stated): gnomAD 0.00009 and 0.00011; TOPMed 0.00009; ESP Exome Variant Server 0.00015; gnomAD exomes 0.00001 and 0.00003; ExAC 0.00004.
gnomAD v4.1: 35 of 1,613,784 alleles (0.0022%); highest among the groups gnomAD compares: African/African-American, 0.021%; 1 homozygote.

Submissions (3):

GeneDx
Classification: Uncertain significance. Last evaluated: 2026-07-30. Review status: criteria provided, single submitter. Criteria: GeneDx Variant Classification Process June 2021. Collection method: clinical testing. Allele origin: germline.
Comment: In silico analysis suggests that this missense variant does not alter protein structure/function; Has not been previously published as pathogenic or benign to our knowledge

Labcorp Genetics (formerly Invitae), Labcorp
Classification: Likely benign for Pyruvate carboxylase deficiency. Last evaluated: 2026-01-09. Review status: criteria provided, single submitter. Criteria: Invitae Variant Classification Sherloc (09022015). Collection method: clinical testing. Allele origin: germline.

Ambry Genetics
Classification: Uncertain significance for Inborn genetic diseases. Last evaluated: 2025-08-27. Review status: criteria provided, single submitter. Criteria: Ambry Variant Classification Scheme 2023. Collection method: clinical testing. Allele origin: germline.

NM_001040716.2(PC):c.1640G>A (p.Arg547Gln)

Gene: PC (pyruvate carboxylase; minus strand). Cytogenetic location: 11q13.2.
Variant type: single nucleotide variant.
Coding change: c.1640G>A on transcript NM_001040716.2 (MANE Select); coding-DNA position 1640, G replaced by A.
Protein change: p.Arg547Gln; replaces arginine 547 with glutamine.
Molecular consequence: missense variant.
Genome position (GRCh38, 1-based): chr11:66,852,624, C>T on the plus strand (G>A on the coding strand, the complement: PC is on the minus strand). VCF-style: chr11-66852624-C-T. GRCh37 (hg19) VCF-style: chr11-66620095-C-T.
Other names: p.R547Q:CGA>CAA; c.1640G>A, p.Arg547Gln (NM_000920.4, NM_022172.3); short protein forms R547Q.
Identifiers: ClinVar variation 203911 (VCV000203911.10), dbSNP rs142036463, ClinGen allele CA312893.